The following is an entry in ClinVar:

ClinVar aggregate classification (germline): Conflicting classifications of pathogenicity. Review status: criteria provided, conflicting classifications (1 of 4 stars). 3 submissions from 3 submitters: Likely pathogenic (1); Uncertain significance (2). Last evaluated 2025-03-05.

Conditions:
Episodic ataxia type 2 (EA2). Also called: ACETAZOLAMIDE-RESPONSIVE HEREDITARY PAROXYSMAL CEREBELLAR ATAXIA; EPISODIC ATAXIA, NYSTAGMUS-ASSOCIATED; ATAXIA, EPISODIC, WITH NYSTAGMUS; ATAXIA, FAMILIAL PAROXYSMAL; CEREBELLAR ATAXIA, PAROXYSMAL, ACETAZOLAMIDE-RESPONSIVE; CEREBELLOPATHY, HEREDITARY PAROXYSMAL. Identifiers: Orphanet 97, MedGen C1720416, MONDO:0007163, OMIM 108500.
Developmental and epileptic encephalopathy, 42 (DEE42A). Also called: DEVELOPMENTAL AND EPILEPTIC ENCEPHALOPATHY 42A; EPILEPTIC ENCEPHALOPATHY, EARLY INFANTILE, 42A; Epileptic encephalopathy, early infantile, 42. Identifiers: MedGen C4310716, MONDO:0014917, OMIM 617106.

Allele frequency attached by ClinVar (database versions not stated): gnomAD exomes below 0.00001.
gnomAD v4.1: 3 of 1,337,028 alleles (0.00022%); highest among the groups gnomAD compares: South Asian, 0.0024%; no homozygotes.

Submissions (3):

Labcorp Genetics (formerly Invitae), Labcorp
Classification: Uncertain significance for Developmental and epileptic encephalopathy, 42; Episodic ataxia type 2. Last evaluated: 2025-03-05. Review status: criteria provided, single submitter. Criteria: Invitae Variant Classification Sherloc (09022015). Collection method: clinical testing. Allele origin: germline.
Comment: This sequence change replaces proline, which is neutral and non-polar, with serine, which is neutral and polar, at codon 2121 of the CACNA1A protein (p.Pro2121Ser). This variant is not present in population databases (gnomAD no frequency). This variant has not been reported in the literature in individuals affected with CACNA1A-related conditions. ClinVar contains an entry for this variant (Variation ID: 945996). Invitae Evidence Modeling of protein sequence and biophysical properties (such as structural, functional, and spatial information, amino acid conservation, physicochemical variation, residue mobility, and thermodynamic stability) indicates that this missense variant is not expected to disrupt CACNA1A protein function with a negative predictive value of 95%. In summary, the available evidence is currently insufficient to determine the role of this variant in disease. Therefore, it has been classified as a Variant of Uncertain Significance.

CeGaT Center for Human Genetics Tuebingen
Classification: Uncertain significance. Last evaluated: 2023-03-01. Review status: criteria provided, single submitter. Criteria: CeGaT Center For Human Genetics Tuebingen Variant Classification Criteria Version 2. Collection method: clinical testing. Allele origin: germline. Affected: yes. Observed: 1 variant allele.
Comment: CACNA1A: PM2, PP2, PP3

Centre de Biologie Pathologie Génétique, Centre Hospitalier Universitaire de Lille
Classification: Likely pathogenic for Episodic ataxia type 2. Review status: criteria provided, single submitter. Criteria: ACMG Guidelines, 2015. Collection method: clinical testing. Allele origin: inherited. Affected: yes.

NM_001127222.2(CACNA1A):c.6358C>T (p.Pro2120Ser)

Gene: CACNA1A (calcium voltage-gated channel subunit alpha1 A; minus strand). Cytogenetic location: 19p13.13.
Variant type: single nucleotide variant.
Coding change: c.6358C>T on transcript NM_001127222.2 (MANE Select); coding-DNA position 6358, C replaced by T.
Protein change: p.Pro2120Ser; replaces proline 2120 with serine.
Molecular consequence: missense variant.
Genome position (GRCh38, 1-based): chr19:13,209,480, G>A on the plus strand (C>T on the coding strand, the complement: CACNA1A is on the minus strand). VCF-style: chr19-13209480-G-A. GRCh37 (hg19) VCF-style: chr19-13320294-G-A.
Other names: c.6376C>T, p.Pro2126Ser (NM_000068.4, NM_023035.3); c.6361C>T, p.Pro2121Ser (NM_001127221.2); c.6367C>T, p.Pro2123Ser (NM_001174080.2); short protein forms P2121S, P2126S, P2120S, P2123S.
Identifiers: ClinVar variation 945996 (VCV000945996.35), dbSNP rs2054721635, ClinGen allele CA404331134.